The following is an entry in ClinVar:

ClinVar aggregate classification (germline): Uncertain significance (1 of 4 stars; one submission).

Submission:

Labcorp Genetics (formerly Invitae), Labcorp
Classification: Uncertain significance. Last evaluated: 2025-04-15. Review status: criteria provided, single submitter. Criteria: Invitae Variant Classification Sherloc (09022015). Collection method: clinical testing. Allele origin: germline.
Comment: This sequence change creates a premature translational stop signal (p.Ser455*) in the IRF2BP2 gene. While this is not anticipated to result in nonsense mediated decay, it is expected to disrupt the last 133 amino acid(s) of the IRF2BP2 protein. This variant is not present in population databases (gnomAD no frequency). This variant has not been reported in the literature in individuals affected with IRF2BP2-related conditions. Experimental studies and prediction algorithms are not available or were not evaluated, and the functional significance of this variant is currently unknown. In summary, the available evidence is currently insufficient to determine the role of this variant in disease. Therefore, it has been classified as a Variant of Uncertain Significance.

NM_182972.3(IRF2BP2):c.1362dup (p.Ser455Ter)

Gene: IRF2BP2 (interferon regulatory factor 2 binding protein 2; minus strand). Cytogenetic location: 1q42.3.
Variant type: Duplication.
Coding change: c.1362dup on transcript NM_182972.3 (MANE Select); coding-DNA position 1362, one base duplicated (T; older notation c.1362dupT).
Protein change: p.Ser455Ter; replaces serine 455 with a stop codon.
Molecular consequence: nonsense.
Genome position (GRCh38, 1-based): chr1:234,607,539, A duplicated on the plus strand (T on the coding strand, the reverse complement: IRF2BP2 is on the minus strand). VCF-style (leftmost placement, unchanged base first): chr1-234607538-T-TA. GRCh37 (hg19) VCF-style: chr1-234743284-T-TA.
Other names: c.1314dup, p.Ser439Ter (NM_001077397.1); short protein forms S439*, S455*.
Identifiers: ClinVar variation 4717569 (VCV004717569.1).